The following is an entry in ClinVar:

ClinVar aggregate classification (germline): Pathogenic (0 of 4 stars; one submission).

Submission:

Department of Pathology and Laboratory Medicine, Sinai Health System
Classification: Pathogenic. Review status: no assertion criteria provided. Collection method: clinical testing. Allele origin: unknown. Affected: yes. Study: The Canadian Open Genetics Repository (COGR).
Comment: The c.8755-?_9256+?del variant results in deletion of exons 22 through 24 spanning at least ~ 4,958 bp of genomic DNA of the BRCA2 gene (chr13; g.32952080-32954282; GRCh37/HG19), although the precise breakpoints of this deletion was not determined. This variant is predicted to cause a frameshift, which likely alters the protein's amino acid sequence and results in a premature termination codon downstream. This alteration is then predicted to result in a truncated or absent protein product and loss of function. Loss of function variants of the BRCA2 gene are an established mechanism of hereditary breast and ovarian cancer. In summary, based on the above information, this variant is classified as pathogenic.

NM_000059.4(BRCA2):c.8755-2_9023del

Gene: BRCA2 (BRCA2 DNA repair associated; plus strand). Cytogenetic location: 13q13.1.
Variant type: Deletion.
Coding change: c.8755-2_9023del on transcript NM_000059.4 (MANE Select); the canonical splice acceptor site of the intron before coding-DNA position 8755 through coding-DNA position 9023, 505 bases deleted.
Molecular consequence: splice acceptor variant, splice donor variant.
Genome position (GRCh38, 1-based): chr13:32,379,315-32,379,819, 505 bases deleted. GRCh37 (hg19): chr13:32,953,452-32,953,956.
Identifiers: ClinVar variation 1050378 (VCV001050378.1), dbSNP rs2137618829, ClinGen allele CA2499222346.